The following is an entry in ClinVar:

NM_000111.3(SLC26A3):c.142C>G (p.Gln48Glu)

Gene: SLC26A3 (solute carrier family 26 member 3; minus strand). Cytogenetic location: 7q22.3.
Variant type: single nucleotide variant.
Coding change: c.142C>G on transcript NM_000111.3 (MANE Select); coding-DNA position 142, C replaced by G.
Protein change: p.Gln48Glu; replaces glutamine 48 with glutamic acid.
Molecular consequence: missense variant.
Genome position (GRCh38, 1-based): chr7:107,793,871, G>C on the plus strand (C>G on the coding strand, the complement: SLC26A3 is on the minus strand). VCF-style: chr7-107793871-G-C. GRCh37 (hg19) VCF-style: chr7-107434316-G-C.
Other names: short protein forms Q48E.
Identifiers: ClinVar variation 3603527 (VCV003603527.2).
Genomic context (GRCh38, chr7:107,793,871, plus strand): 5'-GGTATGCTGGCAACCAAGATGCTATGGGGAACAAAGAGAGGACAATTCTCTTGGCCTTTT[G>C]TGGGGAACAGCTGAAAACATGGAAAGCCACAGGTCAGTCAATTAATATCAAATTTTAAGT-3'
Protein context (NP_000102.1, residues 38-58): HLKVCCSCSP[Gln48Glu]KAKRIVLSLF

ClinVar aggregate classification (germline): Uncertain significance (1 of 4 stars; one submission).

gnomAD v4.1: 4 of 1,614,050 alleles (0.00025%); highest among the groups gnomAD compares: African/African-American, 0.0013%; no homozygotes.

Submission:

Labcorp Genetics (formerly Invitae), Labcorp
Classification: Uncertain significance. Last evaluated: 2025-02-15. Review status: criteria provided, single submitter. Criteria: Invitae Variant Classification Sherloc (09022015). Collection method: clinical testing. Allele origin: germline.
Comment: This sequence change replaces glutamine, which is neutral and polar, with glutamic acid, which is acidic and polar, at codon 48 of the SLC26A3 protein (p.Gln48Glu). This variant is present in population databases (rs780867682, gnomAD 0.0009%). This variant has not been reported in the literature in individuals affected with SLC26A3-related conditions. Invitae Evidence Modeling of protein sequence and biophysical properties (such as structural, functional, and spatial information, amino acid conservation, physicochemical variation, residue mobility, and thermodynamic stability) indicates that this missense variant is not expected to disrupt SLC26A3 protein function with a negative predictive value of 80%. In summary, the available evidence is currently insufficient to determine the role of this variant in disease. Therefore, it has been classified as a Variant of Uncertain Significance.